The following is an entry in ClinVar:

ClinVar aggregate classification (germline): Pathogenic (1 of 4 stars; one submission).

Conditions:
Severe combined immunodeficiency due to IKK2 deficiency. Also called: IMMUNODEFICIENCY 15B; Immunodeficiency 15. Identifiers: Orphanet 397787, MedGen C4747743, MONDO:0014267, OMIM 615592.

Submission:

Labcorp Genetics (formerly Invitae), Labcorp
Classification: Pathogenic for Severe combined immunodeficiency due to IKK2 deficiency. Last evaluated: 2023-04-14. Review status: criteria provided, single submitter. Criteria: Invitae Variant Classification Sherloc (09022015). Collection method: clinical testing. Allele origin: germline.
Comment: This sequence change creates a premature translational stop signal (p.Gln477*) in the IKBKB gene. It is expected to result in an absent or disrupted protein product. Loss-of-function variants in IKBKB are known to be pathogenic (PMID: 24369075, 24679846). This variant is not present in population databases (gnomAD no frequency). For these reasons, this variant has been classified as Pathogenic. This variant has not been reported in the literature in individuals affected with IKBKB-related conditions.

Literature cited by the submitters: PubMed 24369075; PubMed 24679846.

NM_001556.3(IKBKB):c.1429C>T (p.Gln477Ter)

Gene: IKBKB (inhibitor of nuclear factor kappa B kinase subunit beta; plus strand). Cytogenetic location: 8p11.21.
Variant type: single nucleotide variant.
Coding change: c.1429C>T on transcript NM_001556.3 (MANE Select); coding-DNA position 1429, C replaced by T.
Protein change: p.Gln477Ter; replaces glutamine 477 with a stop codon.
Molecular consequence: nonsense. On other transcripts: non-coding transcript variant (3).
Genome position (GRCh38, 1-based): chr8:42,319,334, C>T. VCF-style: chr8-42319334-C-T. GRCh37 (hg19) VCF-style: chr8-42176852-C-T.
Other names: c.1237C>T, p.Gln413Ter (NM_001190720.3); c.1252C>T, p.Gln418Ter (NM_001242778.2); short protein forms Q413*, Q477*, Q418*.
Identifiers: ClinVar variation 2856021 (VCV002856021.3), dbSNP rs2487692827, ClinGen allele CA371090396.